The following is an entry in ClinVar:

NM_004991.4(MECOM):c.539C>A (p.Ala180Glu)

Gene: MECOM (MDS1 and EVI1 complex locus; minus strand). Cytogenetic location: 3q26.2.
Variant type: single nucleotide variant.
Coding change: c.539C>A on transcript NM_004991.4 (MANE Select); coding-DNA position 539, C replaced by A.
Protein change: p.Ala180Glu; replaces alanine 180 with glutamic acid.
Molecular consequence: missense variant. On other transcripts: 5 prime UTR variant (12).
Genome position (GRCh38, 1-based): chr3:169,131,503, G>T on the plus strand (C>A on the coding strand, the complement: MECOM is on the minus strand). VCF-style: chr3-169131503-G-T. GRCh37 (hg19) VCF-style: chr3-168849291-G-T.
Other names: c.167C>A, p.Ala56Glu (NM_001105077.4); c.-26C>A (NM_001105078.4, NM_001163999.2, NM_001164000.2 and 9 more transcripts); c.539C>A, p.Ala180Glu (NM_001366466.2, NM_001366473.2); short protein forms A180E, A56E.
Identifiers: ClinVar variation 3394315 (VCV003394315.1).

ClinVar aggregate classification (germline): Uncertain significance (1 of 4 stars; one submission).

Conditions:
Inborn genetic diseases. Identifiers: MedGen C0950123, MeSH D030342.

gnomAD v4.1: 5 of 1,613,382 alleles (0.00031%); highest among the groups gnomAD compares: South Asian, 0.0044%; no homozygotes.

Submission:

Ambry Genetics
Classification: Uncertain significance for Inborn genetic diseases. Last evaluated: 2024-11-25. Review status: criteria provided, single submitter. Criteria: Ambry Variant Classification Scheme 2023. Collection method: clinical testing. Allele origin: germline.
Comment: The p.A180E variant (also known as c.539C>A), located in coding exon 4 of the MECOM gene, results from a C to A substitution at nucleotide position 539. The alanine at codon 180 is replaced by glutamic acid, an amino acid with dissimilar properties. This amino acid position is conserved. In addition, this alteration is predicted to be tolerated by in silico analysis. Based on the available evidence, the clinical significance of this variant remains unclear.